The following is an entry in ClinVar:

NM_000059.4(BRCA2):c.6881A>G (p.Asp2294Gly)

Gene: BRCA2 (BRCA2 DNA repair associated; plus strand). Cytogenetic location: 13q13.1.
Variant type: single nucleotide variant.
Coding change: c.6881A>G on transcript NM_000059.4 (MANE Select); coding-DNA position 6881, A replaced by G.
Protein change: p.Asp2294Gly; replaces aspartic acid 2294 with glycine.
Molecular consequence: missense variant.
Genome position (GRCh38, 1-based): chr13:32,344,597, A>G. VCF-style: chr13-32344597-A-G. GRCh37 (hg19) VCF-style: chr13-32918734-A-G.
Other names: short protein forms D2294G.
Identifiers: ClinVar variation 1505378 (VCV001505378.6), dbSNP rs2072597964, ClinGen allele CA387792763.

ClinVar aggregate classification (germline): Uncertain significance (1 of 4 stars; one submission).

Conditions:
Hereditary breast ovarian cancer syndrome. Also called: Hereditary breast and ovarian cancer; Breast and ovarian cancer; BRCA1- and BRCA2-Associated Hereditary Breast and Ovarian Cancer; Hereditary breast and/or ovarian cancer syndrome; Hereditary breast and ovarian cancer syndrome; Hereditary breast and ovarian cancer syndrome (HBOC). Identifiers: Orphanet 145, MedGen C0677776, MeSH D061325, MONDO:0003582. Disease mechanism: loss of function.

Submission:

Labcorp Genetics (formerly Invitae), Labcorp
Classification: Uncertain significance for Hereditary breast ovarian cancer syndrome. Last evaluated: 2021-11-23. Review status: criteria provided, single submitter. Criteria: Invitae Variant Classification Sherloc (09022015). Collection method: clinical testing. Allele origin: germline.
Comment: In summary, the available evidence is currently insufficient to determine the role of this variant in disease. Therefore, it has been classified as a Variant of Uncertain Significance. Advanced modeling of protein sequence and biophysical properties (such as structural, functional, and spatial information, amino acid conservation, physicochemical variation, residue mobility, and thermodynamic stability) performed at Invitae indicates that this missense variant is not expected to disrupt BRCA2 protein function. This variant has not been reported in the literature in individuals affected with BRCA2-related conditions. This variant is not present in population databases (gnomAD no frequency). This sequence change replaces aspartic acid, which is acidic and polar, with glycine, which is neutral and non-polar, at codon 2294 of the BRCA2 protein (p.Asp2294Gly).